The following is an entry in ClinVar:

NM_000488.4(SERPINC1):c.399A>C (p.Gln133His)

Gene: SERPINC1 (serpin family C member 1; minus strand). Cytogenetic location: 1q25.1.
Variant type: single nucleotide variant.
Coding change: c.399A>C on transcript NM_000488.4 (MANE Select); coding-DNA position 399, A replaced by C.
Protein change: p.Gln133His; replaces glutamine 133 with histidine.
Molecular consequence: missense variant.
Genome position (GRCh38, 1-based): chr1:173,914,562, T>G on the plus strand (A>C on the coding strand, the complement: SERPINC1 is on the minus strand). VCF-style: chr1-173914562-T-G. GRCh37 (hg19) VCF-style: chr1-173883700-T-G.
Other names: c.255A>C, p.Gln85His (NM_001365052.2); c.399A>C, p.Gln133His (NM_001386302.1, NM_001386304.1, NM_001386305.1 and 1 more transcripts); c.480A>C, p.Gln160His (NM_001386303.1); short protein forms Q133H, Q85H, Q160H.
Identifiers: ClinVar variation 237849 (VCV000237849.5), dbSNP rs878854019, ClinGen allele CA10581758.

ClinVar aggregate classification (germline): Uncertain significance (1 of 4 stars; one submission).

Conditions:
Hereditary antithrombin deficiency (AT3D). Also called: Antithrombin III deficiency; Thrombophilia due to antithrombin III deficiency; Antithrombin deficiency; Reduced antithrombin III activity. Identifiers: Orphanet 82, MedGen C0272375, MONDO:0013144, OMIM 613118, HP:0001976.

Submission:

Labcorp Genetics (formerly Invitae), Labcorp
Classification: Uncertain significance for Hereditary antithrombin deficiency. Last evaluated: 2015-11-13. Review status: criteria provided, single submitter. Criteria: Invitae Variant Classification Sherloc (09022015). Collection method: clinical testing. Allele origin: germline.
Comment: This sequence change replaces glutamine with histidine at codon 133 of the SERPINC1 protein (p.Gln133His). The glutamine residue is highly conserved and there is a small physicochemical difference between glutamine and histidine. This variant is not present in population databases (ExAC no frequency) and has not been reported in the literature. A different variant (c.397C>A) giving rise to a missense change at the same codon (p.Gln133Lys) has been reported in a patient with family history of thrombosis (PMID: 7947234). This individual reportedly also had marked reduction in antithrombin activity. These observations indicate that this residue may be critical for protein function. Algorithms developed to predict the effect of missense changes on protein structure and function do not agree on the potential impact of this missense change (SIFT: "Deleterious"; PolyPhen-2: "Probably Damaging"; Align-GVGD: "Class C0"). In summary, this is a rare missense change with uncertain impact on protein function. Therefore, it has been classified as a Variant of Uncertain Significance.

Literature cited by the submitters: PubMed 7947234.